The following is an entry in ClinVar:

ClinVar aggregate classification (germline): Benign/Likely benign. Review status: criteria provided, multiple submitters, no conflicts (2 of 4 stars). 10 submissions from 10 submitters: Benign (1); Likely benign (7). 2 of the submissions do not count toward it. Last evaluated 2026-01-18.

Conditions:
Peutz-Jeghers syndrome (PJS). Also called: POLYPOSIS, HAMARTOMATOUS INTESTINAL; POLYPS-AND-SPOTS SYNDROME; Peutz-Jeghers polyposis; Periorificial lentiginosis syndrome. Identifiers: Orphanet 2869, MedGen C0031269, MeSH D010580, MONDO:0008280, OMIM 175200.
Hereditary cancer-predisposing syndrome. Also called: Tumor predisposition; Neoplastic Syndromes, Hereditary; Hereditary neoplastic syndrome; Hereditary Cancer Syndrome. Identifiers: Orphanet 140162, MedGen C0027672, MeSH D009386, MONDO:0015356.
STK11-related disorder. Also called: STK11-related condition.

Allele frequency attached by ClinVar (database versions not stated): TOPMed below 0.00001; gnomAD 0.00001; gnomAD exomes 0.00002 and 0.00011; ExAC 0.00005.
gnomAD v4.1: 146 of 1,555,094 alleles (0.0094%); highest among the groups gnomAD compares: Non-Finnish European, 0.013%; no homozygotes.

Submissions (10):

Labcorp Genetics (formerly Invitae), Labcorp
Classification: Likely benign for Peutz-Jeghers syndrome. Last evaluated: 2026-01-18. Review status: criteria provided, single submitter. Criteria: Invitae Variant Classification Sherloc (09022015). Collection method: clinical testing. Allele origin: germline.

All of Us Research Program, National Institutes of Health
Classification: Likely benign for Peutz-Jeghers syndrome. Last evaluated: 2023-11-20. Review status: criteria provided, single submitter. Criteria: ACMG Guidelines, 2015. Collection method: clinical testing. Allele origin: germline. Inheritance: Autosomal dominant inheritance. Observed: 4 variant alleles, 4 heterozygotes.
Comment: This study involves interpretation of variants in research participants for the purpose of population health screening. Participant phenotype was not available at the time of variant classification. Additional details can be found in publication PMID: 35346344, PMCID: PMC8962531

Myriad Genetics, Inc.
Classification: Likely benign for Peutz-Jeghers syndrome. Last evaluated: 2023-04-12. Review status: criteria provided, single submitter. Criteria: Myriad Autosomal Dominant, Autosomal Recessive and X-Linked Classification Criteria (2023). Collection method: clinical testing. Allele origin: unknown.
Comment: This variant is considered likely benign. This variant is intronic and is not expected to impact mRNA splicing.

Genome-Nilou Lab
Classification: Likely benign for Peutz-Jeghers syndrome. Last evaluated: 2021-07-15. Review status: criteria provided, single submitter. Criteria: ACMG Guidelines, 2015. Collection method: clinical testing. Allele origin: germline. Affected: no.

Sema4
Classification: Likely benign for Hereditary cancer-predisposing syndrome. Last evaluated: 2021-05-31. Review status: criteria provided, single submitter. Criteria: Sema4 Curation Guidelines. Collection method: curation. Allele origin: germline.

Blueprint Genetics
Classification: Likely benign. Last evaluated: 2020-09-24. Review status: criteria provided, single submitter. Criteria: ACMG Guidelines, 2015. Collection method: clinical testing. Allele origin: germline.

Color Diagnostics, LLC DBA Color Health
Classification: Likely benign for Hereditary cancer-predisposing syndrome. Last evaluated: 2016-10-31. Review status: criteria provided, single submitter. Criteria: ACMG Guidelines, 2015. Collection method: clinical testing. Allele origin: germline.

GeneDx
Classification: Benign. Last evaluated: 2015-05-26. Review status: criteria provided, single submitter. Criteria: GeneDx Variant Classification (06012015). Collection method: clinical testing. Allele origin: germline. Affected: yes.
Comment: This variant is considered likely benign or benign based on one or more of the following criteria: it is a conservative change, it occurs at a poorly conserved position in the protein, it is predicted to be benign by multiple in silico algorithms, and/or has population frequency not consistent with disease.

PreventionGenetics, part of Exact Sciences
Classification: Likely benign for STK11-related condition. Last evaluated: 2023-08-18. Review status: no assertion criteria provided. Collection method: clinical testing. Allele origin: germline. Not counted in ClinVar's aggregate classification.
Comment: This variant is classified as likely benign based on ACMG/AMP sequence variant interpretation guidelines (Richards et al. 2015 PMID: 25741868, with internal and published modifications).

Counsyl
Classification: Likely benign for Peutz-Jeghers syndrome. Last evaluated: 2017-10-06. Review status: no assertion criteria provided. Collection method: clinical testing. Allele origin: unknown. Not counted in ClinVar's aggregate classification.

NM_000455.5(STK11):c.863-6C>T

Gene: STK11 (serine/threonine kinase 11; plus strand). Cytogenetic location: 19p13.3.
Variant type: single nucleotide variant.
Coding change: c.863-6C>T on transcript NM_000455.5 (MANE Select); 6 bases into the intron before coding-DNA position 863, C replaced by T.
Molecular consequence: intron variant.
Genome position (GRCh38, 1-based): chr19:1,221,943, C>T. VCF-style: chr19-1221943-C-T. GRCh37 (hg19) VCF-style: chr19-1221942-C-T.
Identifiers: ClinVar variation 378679 (VCV000378679.22), dbSNP rs757276643, ClinGen allele CA049355.